The following is an entry in ClinVar:

ClinVar aggregate classification (germline): Uncertain significance (1 of 4 stars; one submission).

Conditions:
Gorlin syndrome. Also called: Basal cell nevus syndrome; Nevoid Basal Cell Carcinoma Syndrome. Identifiers: Orphanet 377, MedGen C0004779, MONDO:0007187.

Submission:

Labcorp Genetics (formerly Invitae), Labcorp
Classification: Uncertain significance for Gorlin syndrome. Last evaluated: 2020-09-23. Review status: criteria provided, single submitter. Criteria: Invitae Variant Classification Sherloc (09022015). Collection method: clinical testing. Allele origin: germline.
Comment: This variant has not been reported in the literature in individuals with PTCH1-related conditions. This variant is not present in population databases (ExAC no frequency). This sequence change replaces serine with cysteine at codon 928 of the PTCH1 protein (p.Ser928Cys). The serine residue is moderately conserved and there is a moderate physicochemical difference between serine and cysteine. Advanced modeling of protein sequence and biophysical properties (such as structural, functional, and spatial information, amino acid conservation, physicochemical variation, residue mobility, and thermodynamic stability) performed at Invitae indicates that this missense variant is expected to disrupt PTCH1 protein function. In summary, the available evidence is currently insufficient to determine the role of this variant in disease. Therefore, it has been classified as a Variant of Uncertain Significance.

NM_000264.5(PTCH1):c.2782A>T (p.Ser928Cys)

Gene: PTCH1 (patched 1; minus strand). Cytogenetic location: 9q22.32.
Variant type: single nucleotide variant.
Coding change: c.2782A>T on transcript NM_000264.5 (MANE Select); coding-DNA position 2782, A replaced by T.
Protein change: p.Ser928Cys; replaces serine 928 with cysteine.
Molecular consequence: missense variant. On other transcripts: non-coding transcript variant (1).
Genome position (GRCh38, 1-based): chr9:95,459,705, T>A on the plus strand (A>T on the coding strand, the complement: PTCH1 is on the minus strand). VCF-style: chr9-95459705-T-A. GRCh37 (hg19) VCF-style: chr9-98221987-T-A.
Other names: c.2626A>T, p.Ser876Cys (NM_001354918.2); c.2584A>T, p.Ser862Cys (NM_001083602.3); c.2779A>T, p.Ser927Cys (NM_001083603.3); c.2329A>T, p.Ser777Cys (NM_001083604.3, NM_001083605.3, NM_001083606.3 and 1 more transcripts); short protein forms S777C, S862C, S876C, S927C, S928C.
Identifiers: ClinVar variation 998601 (VCV000998601.9), dbSNP rs786204224, ClinGen allele CA374113090.
Genomic context (GRCh38, chr9:95,459,705, plus strand): 5'-ATTCTGGTCGGTGTGGCCGGATGTTGGCCTGGGAGGCAGCATACGCGACGGGGTCGTTGC[T>A]GACCCAAGCCGTCAGGTAGATGTAGAAAGCGCTGGGATTAATGATGCCATCTGCATCCAC-3'
Protein context (NP_000255.2, residues 918-938): AFYIYLTAWV[Ser928Cys]NDPVAYAASQ